The following is an entry in ClinVar:

NM_173560.4(RFX6):c.2652A>G (p.Gln884=)

Gene: RFX6 (regulatory factor X6; plus strand). Cytogenetic location: 6q22.1.
Variant type: single nucleotide variant.
Coding change: c.2652A>G on transcript NM_173560.4 (MANE Select); coding-DNA position 2652, A replaced by G.
Protein change: p.Gln884=; no amino-acid change (glutamine 884 retained).
Molecular consequence: synonymous variant.
Genome position (GRCh38, 1-based): chr6:116,931,371, A>G. VCF-style: chr6-116931371-A-G. GRCh37 (hg19) VCF-style: chr6-117252534-A-G.
Other names: c.2652A>G (NM_173560.3).
Identifiers: ClinVar variation 1425443 (VCV001425443.7), dbSNP rs150612938, ClinGen allele CA3973602.

ClinVar aggregate classification (germline): Likely benign. Review status: criteria provided, single submitter (1 of 4 stars). 2 submissions from 2 submitters: Likely benign (1). 1 of the submissions does not count toward it. Last evaluated 2025-11-24.

Conditions:
RFX6-related disorder. Also called: RFX6-related condition.

Allele frequency attached by ClinVar (database versions not stated): gnomAD exomes 0.00006; ExAC 0.00010; gnomAD 0.00024; TOPMed 0.00025; ESP Exome Variant Server 0.00046; 1000 Genomes Project 30x 0.00047; 1000 Genomes Project 0.00060.
gnomAD v4.1: 64 of 1,613,322 alleles (0.004%); highest among the groups gnomAD compares: African/African-American, 0.073%; no homozygotes.

Submissions (2):

Labcorp Genetics (formerly Invitae), Labcorp
Classification: Likely benign. Last evaluated: 2025-11-24. Review status: criteria provided, single submitter. Criteria: Invitae Variant Classification Sherloc (09022015). Collection method: clinical testing. Allele origin: germline.

PreventionGenetics, part of Exact Sciences
Classification: Likely benign for RFX6-related condition. Last evaluated: 2024-08-09. Review status: no assertion criteria provided. Collection method: clinical testing. Allele origin: germline. Not counted in ClinVar's aggregate classification.
Comment: This variant is classified as likely benign based on ACMG/AMP sequence variant interpretation guidelines (Richards et al. 2015 PMID: 25741868, with internal and published modifications).